The following is an entry in ClinVar:

NM_014780.5(CUL7):c.2488+4C>T

Gene: CUL7 (cullin 7; minus strand). Cytogenetic location: 6p21.1.
Variant type: single nucleotide variant.
Coding change: c.2488+4C>T on transcript NM_014780.5 (MANE Select); 4 bases into the intron after coding-DNA position 2488, C replaced by T.
Molecular consequence: intron variant.
Genome position (GRCh38, 1-based): chr6:43,046,507, G>A on the plus strand (C>T on the coding strand, the complement: CUL7 is on the minus strand). VCF-style: chr6-43046507-G-A. GRCh37 (hg19) VCF-style: chr6-43014245-G-A.
Other names: c.2584+4C>T (NM_001168370.2, NM_001374872.1); c.2488+4C>T (NM_001374874.1, NM_001374873.1).
Identifiers: ClinVar variation 2056677 (VCV002056677.4), dbSNP rs745655698, ClinGen allele CA3813840.

ClinVar aggregate classification (germline): Uncertain significance (1 of 4 stars; one submission).

Allele frequency attached by ClinVar (database versions not stated): TOPMed 0.00001.
gnomAD v4.1: 34 of 1,614,168 alleles (0.0021%); highest among the groups gnomAD compares: South Asian, 0.012%; no homozygotes.

Submission:

Labcorp Genetics (formerly Invitae), Labcorp
Classification: Uncertain significance. Last evaluated: 2024-05-03. Review status: criteria provided, single submitter. Criteria: Invitae Variant Classification Sherloc (09022015). Collection method: clinical testing. Allele origin: germline.
Comment: This sequence change falls in intron 11 of the CUL7 gene. It does not directly change the encoded amino acid sequence of the CUL7 protein. It affects a nucleotide within the consensus splice site. This variant is present in population databases (rs745655698, gnomAD 0.01%). This variant has not been reported in the literature in individuals affected with CUL7-related conditions. ClinVar contains an entry for this variant (Variation ID: 2056677). Variants that disrupt the consensus splice site are a relatively common cause of aberrant splicing (PMID: 17576681, 9536098). Algorithms developed to predict the effect of sequence changes on RNA splicing suggest that this variant is not likely to affect RNA splicing. In summary, the available evidence is currently insufficient to determine the role of this variant in disease. Therefore, it has been classified as a Variant of Uncertain Significance.

Literature cited by the submitters: PubMed 17576681; PubMed 9536098.